The following is an entry in ClinVar:

NM_024577.4(SH3TC2):c.2266C>T (p.Gln756Ter)

Gene: SH3TC2 (SH3 domain and tetratricopeptide repeats 2; minus strand). Cytogenetic location: 5q32.
Variant type: single nucleotide variant.
Coding change: c.2266C>T on transcript NM_024577.4 (MANE Select); coding-DNA position 2266, C replaced by T.
Protein change: p.Gln756Ter; replaces glutamine 756 with a stop codon.
Molecular consequence: nonsense.
Genome position (GRCh38, 1-based): chr5:149,027,466, G>A on the plus strand (C>T on the coding strand, the complement: SH3TC2 is on the minus strand). VCF-style: chr5-149027466-G-A. GRCh37 (hg19) VCF-style: chr5-148407029-G-A.
Other names: short protein forms Q756*.
Identifiers: ClinVar variation 3025224 (VCV003025224.22), dbSNP rs2531772249, ClinGen allele CA361666728.

ClinVar aggregate classification (germline): Pathogenic (1 of 4 stars; one submission).

Submission:

CeGaT Center for Human Genetics Tuebingen
Classification: Pathogenic. Last evaluated: 2023-12-01. Review status: criteria provided, single submitter. Criteria: CeGaT Center For Human Genetics Tuebingen Variant Classification Criteria Version 2. Collection method: clinical testing. Allele origin: germline. Affected: yes. Observed: 1 variant allele.
Comment: SH3TC2: PVS1, PM2, PM3